The following is an entry in ClinVar:

ClinVar aggregate classification (germline): Uncertain significance (1 of 4 stars; one submission).

Submission:

Labcorp Genetics (formerly Invitae), Labcorp
Classification: Uncertain significance. Last evaluated: 2023-01-18. Review status: criteria provided, single submitter. Criteria: Invitae Variant Classification Sherloc (09022015). Collection method: clinical testing. Allele origin: germline.
Comment: In summary, the available evidence is currently insufficient to determine the role of this variant in disease. Therefore, it has been classified as a Variant of Uncertain Significance. Algorithms developed to predict the effect of sequence changes on RNA splicing suggest that this variant may create or strengthen a splice site. This variant has not been reported in the literature in individuals affected with CFP-related conditions. This variant is present in population databases (no rsID available, gnomAD 0.002%). This sequence change falls in intron 6 of the CFP gene. It does not directly change the encoded amino acid sequence of the CFP protein.

NM_001145252.3(CFP):c.766+2_766+10dup

Gene: CFP (complement factor properdin; minus strand). Cytogenetic location: Xp11.23.
Variant type: Duplication.
Coding change: c.766+2_766+10dup on transcript NM_001145252.3 (MANE Select); the canonical splice donor site of the intron after coding-DNA position 766 through 10 bases into the intron after coding-DNA position 766, 9 bases duplicated (TACACCAGG; older notation c.766+2_766+10dupTACACCAGG).
Molecular consequence: splice donor variant.
Genome position (GRCh38, 1-based): chrX:47,627,131-47,627,139, CCTGGTGTA duplicated on the plus strand (TACACCAGG on the coding strand, the reverse complement: CFP is on the minus strand); duplicating any 9 consecutive bases within chrX:47,627,131-47,627,144 gives the same sequence; the c. name uses the placement nearest the transcript's 3' end. VCF-style (leftmost placement, unchanged base first): chrX-47627130-T-TCCTGGTGTA. GRCh37 (hg19) VCF-style: chrX-47486529-T-TCCTGGTGTA.
Other names: c.766+2_766+10dup (NM_002621.2).
Identifiers: ClinVar variation 2783103 (VCV002783103.3), dbSNP rs1372790110, ClinGen allele CA641900980.